The following is an entry in ClinVar:

ClinVar aggregate classification (germline): Pathogenic. Review status: criteria provided, multiple submitters, no conflicts (2 of 4 stars). 5 submissions from 5 submitters: Pathogenic (5). Last evaluated 2025-08-25.

Conditions:
Orofaciodigital syndrome type 6 (OFD6). Also called: VARADI SYNDROME; VARADI-PAPP SYNDROME; OROFACIODIGITAL SYNDROME VI; OFDS VI; POLYDACTYLY, CLEFT LIP/PALATE OR LINGUAL LUMP, AND PSYCHOMOTOR RETARDATION; Oral-facial-digital syndrome type 6. Identifiers: Orphanet 2754, MedGen C2745997, MONDO:0010176, OMIM 277170.
CPLANE1-related disorder. Also called: CPLANE1-related condition.
Joubert syndrome 17 (JBTS17). Identifiers: Orphanet 475, MedGen C3553264, MONDO:0013824, OMIM 614615.

Allele frequency attached by ClinVar (database versions not stated): TOPMed 0.00001; ExAC 0.00002; gnomAD exomes 0.00002.
gnomAD v4.1: 9 of 1,613,798 alleles (0.00056%); highest among the groups gnomAD compares: East Asian, 0.013%; no homozygotes.

Submissions (5):

Daryl Scott Lab, Baylor College of Medicine
Classification: Pathogenic for CPLANE1-related disorder. Last evaluated: 2025-08-25. Review status: criteria provided, single submitter. Criteria: ACMG Guidelines, 2015. Collection method: clinical testing. Allele origin: paternal. Affected: yes. Observed: 1 compound heterozygote.
Comment: PVS1, PS4, PM3

Labcorp Genetics (formerly Invitae), Labcorp
Classification: Pathogenic. Last evaluated: 2023-01-15. Review status: criteria provided, single submitter. Criteria: Invitae Variant Classification Sherloc (09022015). Collection method: clinical testing. Allele origin: germline.
Comment: Algorithms developed to predict the effect of sequence changes on RNA splicing suggest that this variant may disrupt the consensus splice site. For these reasons, this variant has been classified as Pathogenic. ClinVar contains an entry for this variant (Variation ID: 838000). This sequence change creates a premature translational stop signal (p.Gln1853*) in the CPLANE1 gene. It is expected to result in an absent or disrupted protein product. Loss-of-function variants in CPLANE1 are known to be pathogenic (PMID: 24178751, 26092869). This variant is present in population databases (rs766699868, gnomAD 0.02%). This premature translational stop signal has been observed in individual(s) with clinical features of Joubert syndrome (PMID: 28976722).

GeneDx
Classification: Pathogenic. Last evaluated: 2022-11-08. Review status: criteria provided, single submitter. Criteria: GeneDx Variant Classification Process June 2021. Collection method: clinical testing. Allele origin: germline. Affected: yes.
Comment: Nonsense variant predicted to result in protein truncation or nonsense mediated decay in a gene for which loss of function is a known mechanism of disease; This variant is associated with the following publications: (PMID: 28976722)

Fulgent Genetics
Classification: Pathogenic for Orofaciodigital syndrome type 6; Joubert syndrome 17. Last evaluated: 2021-07-15. Review status: criteria provided, single submitter. Criteria: ACMG Guidelines, 2015. Collection method: clinical testing. Allele origin: unknown.

Baylor Genetics
Classification: Pathogenic for Orofaciodigital syndrome type 6. Last evaluated: 2019-11-18. Review status: criteria provided, single submitter. Criteria: ACMG Guidelines, 2015. Collection method: clinical testing. Allele origin: unknown. Affected: yes.
Comment: This variant was determined to be pathogenic according to ACMG Guidelines, 2015 [PMID:25741868].

Literature cited by the submitters: PubMed 24178751 (cited by Labcorp Genetics (formerly Invitae), Labcorp); PubMed 26092869 (cited by Labcorp Genetics (formerly Invitae), Labcorp); PubMed 28976722 (cited by Labcorp Genetics (formerly Invitae), Labcorp).

NM_001384732.1(CPLANE1):c.5557C>T (p.Gln1853Ter)

Gene: CPLANE1 (ciliogenesis and planar polarity effector complex subunit 1; minus strand). Cytogenetic location: 5p13.2.
Variant type: single nucleotide variant.
Coding change: c.5557C>T on transcript NM_001384732.1 (MANE Select); coding-DNA position 5557, C replaced by T.
Protein change: p.Gln1853Ter; replaces glutamine 1853 with a stop codon.
Molecular consequence: nonsense.
Genome position (GRCh38, 1-based): chr5:37,180,870, G>A on the plus strand (C>T on the coding strand, the complement: CPLANE1 is on the minus strand). VCF-style: chr5-37180870-G-A. GRCh37 (hg19) VCF-style: chr5-37180972-G-A.
Other names: c.5557C>T, p.Gln1853Ter (NM_023073.4); short protein forms Q1853*.
Identifiers: ClinVar variation 838000 (VCV000838000.11), dbSNP rs766699868, ClinGen allele CA3238521.
Genomic context (GRCh38, chr5:37,180,870, plus strand): 5'-AAACTACATGTCTTATATTGAAAAGAAGAGTATAATCGGCAACTTACTTCAAGATATTTT[G>A]ACAAGATTTATTCTGACCATTTCTTTCCTCAGTTCCACCTGGAGTTGCTACTGCAACTGA-3'